The following is an entry in ClinVar:

NM_139199.2(BRD8):c.643-506A>G

Gene: BRD8 (bromodomain containing 8; minus strand). Cytogenetic location: 5q31.2.
Variant type: single nucleotide variant.
Coding change: c.643-506A>G on transcript NM_139199.2 (MANE Select); 506 bases into the intron before coding-DNA position 643, A replaced by G.
Molecular consequence: intron variant. On other transcripts: synonymous variant (3).
Genome position (GRCh38, 1-based): chr5:138,168,584, T>C on the plus strand (A>G on the coding strand, the complement: BRD8 is on the minus strand). VCF-style: chr5-138168584-T-C. GRCh37 (hg19) VCF-style: chr5-137504273-T-C.
Other names: c.747A>G, p.Val249= (NM_001164326.2, NM_006696.5); c.327A>G, p.Val109= (NM_001300966.3); c.520-506A>G (NM_001300962.3); c.595-506A>G (NM_001300961.3).
Identifiers: ClinVar variation 4085188 (VCV004085188.8).

ClinVar aggregate classification (germline): Likely benign (1 of 4 stars; one submission).

gnomAD v4.1: 1 of 1,609,040 alleles (0.000062%); highest among the groups gnomAD compares: South Asian, 0.0011%; no homozygotes.

Submission:

CeGaT Center for Human Genetics Tuebingen
Classification: Likely benign. Last evaluated: 2025-06-01. Review status: criteria provided, single submitter. Criteria: CeGaT Center For Human Genetics Tuebingen Variant Classification Criteria Version 2. Collection method: clinical testing. Allele origin: germline. Affected: yes. Observed: 1 variant allele.
Comment: BRD8: BP4, BP7